The following is an entry in ClinVar:

NM_012154.5(AGO2):c.1428G>T (p.Lys476Asn)

Gene: AGO2 (argonaute RISC catalytic component 2; minus strand). Cytogenetic location: 8q24.3.
Variant type: single nucleotide variant.
Coding change: c.1428G>T on transcript NM_012154.5 (MANE Select); coding-DNA position 1428, G replaced by T.
Protein change: p.Lys476Asn; replaces lysine 476 with asparagine.
Molecular consequence: missense variant.
Genome position (GRCh38, 1-based): chr8:140,549,274, C>A on the plus strand (G>T on the coding strand, the complement: AGO2 is on the minus strand). VCF-style: chr8-140549274-C-A. GRCh37 (hg19) VCF-style: chr8-141559373-C-A.
Other names: c.1428G>T, p.Lys476Asn (NM_001164623.3); short protein forms K476N.
Identifiers: ClinVar variation 3772440 (VCV003772440.13).

ClinVar aggregate classification (germline): Uncertain significance (1 of 4 stars; one submission).

Submission:

CeGaT Center for Human Genetics Tuebingen
Classification: Uncertain significance. Last evaluated: 2025-02-01. Review status: criteria provided, single submitter. Criteria: CeGaT Center For Human Genetics Tuebingen Variant Classification Criteria Version 2. Collection method: clinical testing. Allele origin: germline. Affected: yes. Observed: 1 variant allele.
Comment: AGO2: PM2, PP2, PS2:Supporting